The following is an entry in ClinVar:

ClinVar aggregate classification (germline): Uncertain significance (1 of 4 stars; one submission).

Conditions:
Dyskeratosis congenita. Identifiers: Orphanet 1775, MedGen C0265965, MONDO:0015780.

Submission:

Labcorp Genetics (formerly Invitae), Labcorp
Classification: Uncertain significance for Dyskeratosis congenita. Last evaluated: 2025-04-13. Review status: criteria provided, single submitter. Criteria: Invitae Variant Classification Sherloc (09022015). Collection method: clinical testing. Allele origin: germline.
Comment: This sequence change replaces serine, which is neutral and polar, with phenylalanine, which is neutral and non-polar, at codon 409 of the TINF2 protein (p.Ser409Phe). This variant is not present in population databases (gnomAD no frequency). This variant has not been reported in the literature in individuals affected with TINF2-related conditions. An algorithm developed to predict the effect of missense changes on protein structure and function outputs the following: PolyPhen-2: "Possibly Damaging". The phenylalanine amino acid residue is found in multiple mammalian species, which suggests that this missense change does not adversely affect protein function. In summary, the available evidence is currently insufficient to determine the role of this variant in disease. Therefore, it has been classified as a Variant of Uncertain Significance.

NM_001099274.3(TINF2):c.1226C>T (p.Ser409Phe)

Gene: TINF2 (TERF1 interacting nuclear factor 2; minus strand). Cytogenetic location: 14q12.
Variant type: single nucleotide variant.
Coding change: c.1226C>T on transcript NM_001099274.3 (MANE Select); coding-DNA position 1226, C replaced by T.
Protein change: p.Ser409Phe; replaces serine 409 with phenylalanine.
Molecular consequence: missense variant. On other transcripts: 3 prime UTR variant (1).
Genome position (GRCh38, 1-based): chr14:24,239,927, G>A on the plus strand (C>T on the coding strand, the complement: TINF2 is on the minus strand). VCF-style: chr14-24239927-G-A. GRCh37 (hg19) VCF-style: chr14-24709133-G-A.
Other names: c.1121C>T, p.Ser374Phe (NM_001363668.2); c.*488C>T (NM_012461.3); short protein forms S374F, S409F.
Identifiers: ClinVar variation 4798411 (VCV004798411.1).